The following is an entry in ClinVar:

ClinVar aggregate classification (germline): Uncertain significance (1 of 4 stars; one submission).

Submission:

GeneDx
Classification: Uncertain significance. Last evaluated: 2024-08-14. Review status: criteria provided, single submitter. Criteria: GeneDx Variant Classification Process June 2021. Collection method: clinical testing. Allele origin: germline. Affected: yes.
Comment: Not observed at significant frequency in large population cohorts (gnomAD); In silico analysis supports that this missense variant has a deleterious effect on protein structure/function; Has not been previously published as pathogenic or benign to our knowledge

NM_001170629.2(CHD8):c.5783G>T (p.Arg1928Leu)

Gene: CHD8 (chromodomain helicase DNA binding protein 8; minus strand). Cytogenetic location: 14q11.2.
Variant type: single nucleotide variant.
Coding change: c.5783G>T on transcript NM_001170629.2 (MANE Select); coding-DNA position 5783, G replaced by T.
Protein change: p.Arg1928Leu; replaces arginine 1928 with leucine.
Molecular consequence: missense variant.
Genome position (GRCh38, 1-based): chr14:21,394,012, C>A on the plus strand (G>T on the coding strand, the complement: CHD8 is on the minus strand). VCF-style: chr14-21394012-C-A. GRCh37 (hg19) VCF-style: chr14-21862171-C-A.
Other names: c.4946G>T, p.Arg1649Leu (NM_020920.4); short protein forms R1928L, R1649L.
Identifiers: ClinVar variation 3731088 (VCV003731088.1).
Genomic context (GRCh38, chr14:21,394,012, plus strand): 5'-TTGCAGTCTGTTTGGCTCACCCCATGGCGGGCTGCCCCTCTTAGAAGCTCCCCATCATGC[C>A]GAACAGGCTCCCACCATTTGGGCAATTCAGGACCAGGAGGCTGACACAATGCCAGCCGAT-3'
Protein context (NP_001164100.1, residues 1918-1938): PELPKWWEPV[Arg1928Leu]HDGELLRGAA